The following is an entry in ClinVar:

NM_033026.6(PCLO):c.10139G>C (p.Gly3380Ala)

Gene: PCLO (piccolo presynaptic cytomatrix protein; minus strand). Cytogenetic location: 7q21.11.
Variant type: single nucleotide variant.
Coding change: c.10139G>C on transcript NM_033026.6 (MANE Select); coding-DNA position 10139, G replaced by C.
Protein change: p.Gly3380Ala; replaces glycine 3380 with alanine.
Molecular consequence: missense variant.
Genome position (GRCh38, 1-based): chr7:82,950,449, C>G on the plus strand (G>C on the coding strand, the complement: PCLO is on the minus strand). VCF-style: chr7-82950449-C-G. GRCh37 (hg19) VCF-style: chr7-82579765-C-G.
Other names: c.10139G>C, p.Gly3380Ala (NM_014510.3); short protein forms G3380A.
Identifiers: ClinVar variation 2010176 (VCV002010176.4), dbSNP rs2535676587, ClinGen allele CA367905282.

ClinVar aggregate classification (germline): Uncertain significance (1 of 4 stars; one submission).

gnomAD v4.1: 3 of 1,613,734 alleles (0.00019%); highest among the groups gnomAD compares: African/African-American, 0.0027%; no homozygotes.

Submission:

Labcorp Genetics (formerly Invitae), Labcorp
Classification: Uncertain significance. Last evaluated: 2022-06-24. Review status: criteria provided, single submitter. Criteria: Invitae Variant Classification Sherloc (09022015). Collection method: clinical testing. Allele origin: germline.
Comment: This variant is not present in population databases (gnomAD no frequency). This variant has not been reported in the literature in individuals affected with PCLO-related conditions. This sequence change replaces glycine, which is neutral and non-polar, with alanine, which is neutral and non-polar, at codon 3380 of the PCLO protein (p.Gly3380Ala). Algorithms developed to predict the effect of missense changes on protein structure and function are either unavailable or do not agree on the potential impact of this missense change (SIFT: "Deleterious"; PolyPhen-2: "Not Available"; Align-GVGD: "Class C0"). In summary, the available evidence is currently insufficient to determine the role of this variant in disease. Therefore, it has been classified as a Variant of Uncertain Significance.